The following is an entry in ClinVar:

NM_000320.3(QDPR):c.96C>T (p.Ala32=)

Genes: QDPR (quinoid dihydropteridine reductase; minus strand), LOC129992304 (ATAC-STARR-seq lymphoblastoid silent region 15310; plus strand). Cytogenetic location: 4p15.32.
Variant type: single nucleotide variant.
Coding change: c.96C>T on transcript NM_000320.3 (MANE Select); coding-DNA position 96, C replaced by T.
Protein change: p.Ala32=; no amino-acid change (alanine 32 retained).
Molecular consequence: synonymous variant. On other transcripts: non-coding transcript variant (1).
Genome position (GRCh38, 1-based): chr4:17,511,959, G>A on the plus strand (C>T on the coding strand, the complement: QDPR is on the minus strand). VCF-style: chr4-17511959-G-A. GRCh37 (hg19) VCF-style: chr4-17513582-G-A.
Other names: c.96C>T, p.Ala32= (NM_001306140.2).
Identifiers: ClinVar variation 286391 (VCV000286391.22), dbSNP rs2518608, ClinGen allele CA2868244.

ClinVar aggregate classification (germline): Benign/Likely benign. Review status: criteria provided, multiple submitters, no conflicts (2 of 4 stars). 7 submissions from 7 submitters: Benign (4); Likely benign (1). 2 of the submissions do not count toward it. Last evaluated 2026-02-03.

Conditions:
Dihydropteridine reductase deficiency (HPABH4C). Also called: BH4-Deficient Hyperphenylalaninemia C; HYPERPHENYLALANINEMIA, TETRAHYDROBIOPTERIN-DEFICIENT, DUE TO DHPR DEFICIENCY; Hyperphenylalaninemia due to dihydropteridine reductase deficiency; Hyperphenylalaninemia, BH-4-deficient, C; Phenylketonuria type 2; DHPR DEFICIENCY. Identifiers: Orphanet 226, Orphanet 238583, MedGen C0268465, MONDO:0009862, OMIM 261630.

Allele frequency attached by ClinVar (database versions not stated): 1000 Genomes Project 30x 0.00468; 1000 Genomes Project 0.00519; TOPMed 0.00737; gnomAD 0.00789 and 0.00808; ESP Exome Variant Server 0.00829; gnomAD exomes 0.01090 and 0.01220; ExAC 0.01250.
gnomAD v4.1: 18,954 of 1,610,798 alleles (1.2%); highest among the groups gnomAD compares: Middle Eastern, 2.4%; 156 homozygotes.

Submissions (7):

Labcorp Genetics (formerly Invitae), Labcorp
Classification: Benign for Dihydropteridine reductase deficiency. Last evaluated: 2026-02-03. Review status: criteria provided, single submitter. Criteria: Invitae Variant Classification Sherloc (09022015). Collection method: clinical testing. Allele origin: germline.

Blueprint Genetics
Classification: Likely benign. Last evaluated: 2024-11-26. Review status: criteria provided, single submitter. Criteria: ACMG Guidelines, 2015. Collection method: clinical testing. Allele origin: germline.

Illumina Laboratory Services, Illumina
Classification: Benign for Dihydropteridine reductase deficiency. Last evaluated: 2018-01-13. Review status: criteria provided, single submitter. Criteria: ICSL Variant Classification Criteria 13 December 2019. Collection method: clinical testing. Allele origin: germline.
Comment: This variant was observed in the ICSL laboratory as part of a predisposition screen in an ostensibly healthy population. It had not been previously curated by ICSL or reported in the Human Gene Mutation Database (HGMD: prior to June 1st, 2018), and was therefore a candidate for classification through an automated scoring system. Utilizing variant allele frequency, disease prevalence and penetrance estimates, and inheritance mode, an automated score was calculated to assess if this variant is too frequent to cause the disease. Based on the score and internal cut-off values, a variant classified as benign is not then subjected to further curation. The score for this variant resulted in a classification of benign for this disease.

Eurofins Ntd Llc (ga)
Classification: Benign. Last evaluated: 2016-02-29. Review status: criteria provided, single submitter. Criteria: EGL Classification Definitions 2015. Collection method: clinical testing. Allele origin: germline. Observed: 1 variant allele, 1 heterozygote.

Breakthrough Genomics
Classification: Benign. Review status: criteria provided, single submitter. Criteria: ACMG Guidelines, 2015. Collection method: not provided. Allele origin: germline. Inheritance: Autosomal recessive inheritance. Affected: yes.

Clinical Genetics, Academic Medical Center
Classification: Benign. Review status: no assertion criteria provided. Collection method: clinical testing. Allele origin: germline. Affected: yes. Study: VKGL Data-share Consensus. Not counted in ClinVar's aggregate classification.

Diagnostic Laboratory, Department of Genetics, University Medical Center Groningen
Classification: Likely benign for Dihydropteridine reductase deficiency. Review status: no assertion criteria provided. Collection method: clinical testing. Allele origin: germline. Affected: yes. Study: VKGL Data-share Consensus. Not counted in ClinVar's aggregate classification.